The following is an entry in ClinVar:

NM_017636.4(TRPM4):c.500G>T (p.Gly167Val)

Gene: TRPM4 (transient receptor potential cation channel subfamily M member 4; plus strand). Cytogenetic location: 19q13.33.
Variant type: single nucleotide variant.
Coding change: c.500G>T on transcript NM_017636.4 (MANE Select); coding-DNA position 500, G replaced by T.
Protein change: p.Gly167Val; replaces glycine 167 with valine.
Molecular consequence: missense variant. On other transcripts: 5 prime UTR variant (2), intron variant (2).
Genome position (GRCh38, 1-based): chr19:49,168,311, G>T. VCF-style: chr19-49168311-G-T. GRCh37 (hg19) VCF-style: chr19-49671568-G-T.
Other names: c.500G>T, p.Gly167Val (NM_001195227.2); c.-1054G>T (NM_001321282.2); c.-23G>T (NM_001321283.2); c.268-242G>T (NM_001321281.2); c.-237-242G>T (NM_001321285.2); c.500G>T (NM_017636.3); short protein forms G167V.
Identifiers: ClinVar variation 2739171 (VCV002739171.5), dbSNP rs772301905, ClinGen allele CA9568850.

ClinVar aggregate classification (germline): Uncertain significance. Review status: criteria provided, multiple submitters, no conflicts (2 of 4 stars). 3 submissions from 3 submitters: Uncertain significance (3). Last evaluated 2025-06-27.

Conditions:
Progressive familial heart block type IB (PFHB1B). Identifiers: Orphanet 871, MedGen C1970298, MONDO:0011474, OMIM 604559.
Cardiovascular phenotype. Identifiers: MedGen CN230736.

Allele frequency attached by ClinVar (database versions not stated): ExAC 0.00001.

Submissions (3):

GeneDx
Classification: Uncertain significance. Last evaluated: 2025-06-27. Review status: criteria provided, single submitter. Criteria: GeneDx Variant Classification Process June 2021. Collection method: clinical testing. Allele origin: germline. Affected: yes.
Comment: Not observed at significant frequency in large population cohorts (gnomAD); In silico analysis supports that this missense variant has a deleterious effect on protein structure/function; Has not been previously published as pathogenic or benign to our knowledge

Ambry Genetics
Classification: Uncertain significance for Cardiovascular phenotype. Last evaluated: 2025-04-13. Review status: criteria provided, single submitter. Criteria: Ambry Variant Classification Scheme 2023. Collection method: clinical testing. Allele origin: germline.
Comment: The p.G167V variant (also known as c.500G>T), located in coding exon 5 of the TRPM4 gene, results from a G to T substitution at nucleotide position 500. The glycine at codon 167 is replaced by valine, an amino acid with dissimilar properties. This amino acid position is conserved. In addition, the in silico prediction for this alteration is inconclusive. Based on the available evidence, the clinical significance of this variant remains unclear.

Labcorp Genetics (formerly Invitae), Labcorp
Classification: Uncertain significance for Progressive familial heart block type IB. Last evaluated: 2025-04-13. Review status: criteria provided, single submitter. Criteria: Invitae Variant Classification Sherloc (09022015). Collection method: clinical testing. Allele origin: germline.
Comment: This sequence change replaces glycine, which is neutral and non-polar, with valine, which is neutral and non-polar, at codon 167 of the TRPM4 protein (p.Gly167Val). This variant is present in population databases (rs772301905, gnomAD 0.0009%). This variant has not been reported in the literature in individuals affected with TRPM4-related conditions. ClinVar contains an entry for this variant (Variation ID: 2739171). An algorithm developed to predict the effect of missense changes on protein structure and function (PolyPhen-2) suggests that this variant is likely to be disruptive. In summary, the available evidence is currently insufficient to determine the role of this variant in disease. Therefore, it has been classified as a Variant of Uncertain Significance.